The following is an entry in ClinVar:

NM_032447.5(FBN3):c.835C>T (p.Arg279Trp)

Gene: FBN3 (fibrillin 3; minus strand). Cytogenetic location: 19p13.2.
Variant type: single nucleotide variant.
Coding change: c.835C>T on transcript NM_032447.5 (MANE Select); coding-DNA position 835, C replaced by T.
Protein change: p.Arg279Trp; replaces arginine 279 with tryptophan.
Molecular consequence: missense variant.
Genome position (GRCh38, 1-based): chr19:8,141,747, G>A on the plus strand (C>T on the coding strand, the complement: FBN3 is on the minus strand). VCF-style: chr19-8141747-G-A. GRCh37 (hg19) VCF-style: chr19-8206631-G-A.
Other names: c.835C>T (NM_032447.3); c.835C>T, p.Arg279Trp (NM_001321431.2); short protein forms R279W.
Identifiers: ClinVar variation 3013654 (VCV003013654.4), dbSNP rs150368416, ClinGen allele CA9153580.

ClinVar aggregate classification (germline): Uncertain significance. Review status: criteria provided, multiple submitters, no conflicts (2 of 4 stars). 2 submissions from 2 submitters: Uncertain significance (2). Last evaluated 2025-06-12.

Allele frequency attached by ClinVar (database versions not stated): 1000 Genomes Project 30x 0.00016; ExAC 0.00017; ESP Exome Variant Server 0.00008; TOPMed 0.00015; gnomAD 0.00017.
gnomAD v4.1: 141 of 1,614,090 alleles (0.0087%); highest among the groups gnomAD compares: African/African-American, 0.031%; no homozygotes.

Submissions (2):

Labcorp Genetics (formerly Invitae), Labcorp
Classification: Uncertain significance. Last evaluated: 2025-06-12. Review status: criteria provided, single submitter. Criteria: Invitae Variant Classification Sherloc (09022015). Collection method: clinical testing. Allele origin: germline.
Comment: This sequence change replaces arginine, which is basic and polar, with tryptophan, which is neutral and slightly polar, at codon 279 of the FBN3 protein (p.Arg279Trp). This variant is present in population databases (rs150368416, gnomAD 0.02%). This variant has not been reported in the literature in individuals affected with FBN3-related conditions. ClinVar contains an entry for this variant (Variation ID: 3013654). An algorithm developed to predict the effect of missense changes on protein structure and function (PolyPhen-2) suggests that this variant is likely to be tolerated. In summary, the available evidence is currently insufficient to determine the role of this variant in disease. Therefore, it has been classified as a Variant of Uncertain Significance.

Ambry Genetics
Classification: Uncertain significance. Last evaluated: 2024-06-17. Review status: criteria provided, single submitter. Criteria: Ambry Variant Classification Scheme 2023. Collection method: clinical testing. Allele origin: germline.